The following is an entry in ClinVar:

ClinVar aggregate classification (germline): Uncertain significance (1 of 4 stars; one submission).

Submission:

Mayo Clinic Laboratories, Mayo Clinic
Classification: Uncertain significance. Last evaluated: 2024-03-21. Review status: criteria provided, single submitter. Criteria: ACMG Guidelines, 2015. Collection method: clinical testing. Allele origin: germline. Observed: 1 variant allele.
Comment: PM1_supporting, PM2_moderate, PM5

Literature cited by the submitters: PubMed 31466141.

NM_000504.4(F10):c.1334G>C (p.Arg445Pro)

Genes: F10 (coagulation factor X; plus strand), F10-AS2 (F10 antisense RNA 2; minus strand). Cytogenetic location: 13q34.
Variant type: single nucleotide variant.
Coding change: c.1334G>C on transcript NM_000504.4 (MANE Select); coding-DNA position 1334, G replaced by C.
Protein change: p.Arg445Pro; replaces arginine 445 with proline.
Molecular consequence: missense variant. On other transcripts: 3 prime UTR variant (1).
Genome position (GRCh38, 1-based): chr13:113,149,384, G>C. VCF-style: chr13-113149384-G-C. GRCh37 (hg19) VCF-style: chr13-113803698-G-C.
Other names: p.Arg445Pro; c.1202G>C, p.Arg401Pro (NM_001312674.2); c.*325G>C (NM_001312675.2); short protein forms R401P, R445P.
Identifiers: ClinVar variation 3380174 (VCV003380174.1).